The following is an entry in ClinVar:

ClinVar aggregate classification (germline): Uncertain significance (1 of 4 stars; one submission).

Conditions:
Werner syndrome (WRN). Identifiers: Orphanet 902, MedGen C0043119, MONDO:0010196, OMIM 277700.

Submission:

Labcorp Genetics (formerly Invitae), Labcorp
Classification: Uncertain significance for Werner syndrome. Last evaluated: 2023-08-25. Review status: criteria provided, single submitter. Criteria: Invitae Variant Classification Sherloc (09022015). Collection method: clinical testing. Allele origin: germline.
Comment: In summary, the available evidence is currently insufficient to determine the role of this variant in disease. Therefore, it has been classified as a Variant of Uncertain Significance. An algorithm developed to predict the effect of missense changes on protein structure and function (PolyPhen-2) suggests that this variant is likely to be disruptive. This variant has not been reported in the literature in individuals affected with WRN-related conditions. This variant is not present in population databases (gnomAD no frequency). This sequence change replaces cysteine, which is neutral and slightly polar, with serine, which is neutral and polar, at codon 646 of the WRN protein (p.Cys646Ser).

NM_000553.6(WRN):c.1937G>C (p.Cys646Ser)

Gene: WRN (WRN RecQ like helicase; plus strand). Cytogenetic location: 8p12.
Variant type: single nucleotide variant.
Coding change: c.1937G>C on transcript NM_000553.6 (MANE Select); coding-DNA position 1937, G replaced by C.
Protein change: p.Cys646Ser; replaces cysteine 646 with serine.
Molecular consequence: missense variant.
Genome position (GRCh38, 1-based): chr8:31,096,806, G>C. VCF-style: chr8-31096806-G-C. GRCh37 (hg19) VCF-style: chr8-30954322-G-C.
Other names: short protein forms C646S.
Identifiers: ClinVar variation 2732912 (VCV002732912.3), dbSNP rs916536455, ClinGen allele CA174871205.
Genomic context (GRCh38, chr8:31,096,806, plus strand): 5'-TTTCTTTTGTTTGTTTTTACAGAGGTAAATACCGGATTGTATACGTAACTCCAGAATACT[G>C]TTCAGGTAACATGGGCCTGCTCCAGCAACTTGAGGCTGATATTGGTAAGTGATAAAGAAA-3'
Protein context (NP_000544.2, residues 636-656): YRIVYVTPEY[Cys646Ser]SGNMGLLQQL